The following is an entry in ClinVar:

ClinVar aggregate classification (germline): Uncertain significance (1 of 4 stars; one submission).

Conditions:
Inborn genetic diseases. Identifiers: MedGen C0950123, MeSH D030342.

Submission:

Ambry Genetics
Classification: Uncertain significance for Inborn genetic diseases. Last evaluated: 2018-05-24. Review status: criteria provided, single submitter. Criteria: Ambry Variant Classification Scheme 2023. Collection method: clinical testing. Allele origin: germline.
Comment: The p.A23S variant (also known as c.67G>T), located in coding exon 1 of the SCN8A gene, results from a G to T substitution at nucleotide position 67. The alanine at codon 23 is replaced by serine, an amino acid with similar properties. This amino acid position is well conserved in available vertebrate species. In addition, the in silico prediction for this alteration is inconclusive. Since supporting evidence is limited at this time, the clinical significance of this alteration remains unclear.

NM_001330260.2(SCN8A):c.67G>T (p.Ala23Ser)

Genes: SCN8A (sodium voltage-gated channel alpha subunit 8; plus strand), LOC114803470 (SCN8A eExon liver enhancer; plus strand). Cytogenetic location: 12q13.13.
Variant type: single nucleotide variant.
Coding change: c.67G>T on transcript NM_001330260.2 (MANE Select); coding-DNA position 67, G replaced by T.
Protein change: p.Ala23Ser; replaces alanine 23 with serine.
Molecular consequence: missense variant.
Genome position (GRCh38, 1-based): chr12:51,662,884, G>T. VCF-style: chr12-51662884-G-T. GRCh37 (hg19) VCF-style: chr12-52056668-G-T.
Other names: c.67G>T, p.Ala23Ser (NM_001177984.3, NM_001369788.1, NM_014191.4); short protein forms A23S.
Identifiers: ClinVar variation 1755517 (VCV001755517.2), dbSNP rs2540119153, ClinGen allele CA385227564.